The following is an entry in ClinVar:

ClinVar aggregate classification (germline): Uncertain significance (1 of 4 stars; one submission).

Conditions:
Diffuse cerebral and cerebellar atrophy - intractable seizures - progressive microcephaly syndrome. Also called: Microcephaly, progressive, with seizures and cerebral and cerebellar atrophy. Identifiers: Orphanet 404437, MedGen C4014239, MONDO:0014335, OMIM 615760.

Allele frequency attached by ClinVar (database versions not stated): TOPMed 0.00001.

Submission:

Labcorp Genetics (formerly Invitae), Labcorp
Classification: Uncertain significance for Diffuse cerebral and cerebellar atrophy - intractable seizures - progressive microcephaly syndrome. Last evaluated: 2020-08-15. Review status: criteria provided, single submitter. Criteria: Invitae Variant Classification Sherloc (09022015). Collection method: clinical testing. Allele origin: germline.
Comment: In summary, the available evidence is currently insufficient to determine the role of this variant in disease. Therefore, it has been classified as a Variant of Uncertain Significance. Algorithms developed to predict the effect of missense changes on protein structure and function are either unavailable or do not agree on the potential impact of this missense change (SIFT: "Tolerated"; PolyPhen-2: "Probably Damaging"; Align-GVGD: "Class C0"). This variant has not been reported in the literature in individuals with QARS-related conditions. This variant is not present in population databases (ExAC no frequency). This sequence change replaces glycine with alanine at codon 642 of the QARS protein (p.Gly642Ala). The glycine residue is highly conserved and there is a small physicochemical difference between glycine and alanine.

NM_005051.3(QARS1):c.1925G>C (p.Gly642Ala)

Gene: QARS1 (glutaminyl-tRNA synthetase 1; minus strand). Cytogenetic location: 3p21.31.
Variant type: single nucleotide variant.
Coding change: c.1925G>C on transcript NM_005051.3 (MANE Select); coding-DNA position 1925, G replaced by C.
Protein change: p.Gly642Ala; replaces glycine 642 with alanine.
Molecular consequence: missense variant. On other transcripts: non-coding transcript variant (1).
Genome position (GRCh38, 1-based): chr3:49,098,631, C>G on the plus strand (G>C on the coding strand, the complement: QARS1 is on the minus strand). VCF-style: chr3-49098631-C-G. GRCh37 (hg19) VCF-style: chr3-49136064-C-G.
Other names: c.1892G>C, p.Gly631Ala (NM_001272073.2); short protein forms G631A, G642A.
Identifiers: ClinVar variation 1057553 (VCV001057553.5), dbSNP rs2042423880, ClinGen allele CA352700041.